The following is an entry in ClinVar:

NM_002470.4(MYH3):c.5390G>A (p.Arg1797His)

Gene: MYH3 (myosin heavy chain 3; minus strand). Cytogenetic location: 17p13.1.
Variant type: single nucleotide variant.
Coding change: c.5390G>A on transcript NM_002470.4 (MANE Select); coding-DNA position 5390, G replaced by A.
Protein change: p.Arg1797His; replaces arginine 1797 with histidine.
Molecular consequence: missense variant.
Genome position (GRCh38, 1-based): chr17:10,630,355, C>T on the plus strand (G>A on the coding strand, the complement: MYH3 is on the minus strand). VCF-style: chr17-10630355-C-T. GRCh37 (hg19) VCF-style: chr17-10533672-C-T.
Other names: short protein forms R1797H.
Identifiers: ClinVar variation 321715 (VCV000321715.18), dbSNP rs138194008, ClinGen allele CA8391945.

ClinVar aggregate classification (germline): Conflicting classifications of pathogenicity. Review status: criteria provided, conflicting classifications (1 of 4 stars). 5 submissions from 4 submitters: Uncertain significance (1); Benign (2); Likely benign (1). 1 of the submissions does not count toward it. Last evaluated 2026-01-26.

Conditions:
Inborn genetic diseases. Identifiers: MedGen C0950123, MeSH D030342.
Distal arthrogryposis type 2B1 (DA2B1). Also called: Arthrogryposis multiplex congenita distal type II with craniofacial abnormalities. Identifiers: Orphanet 1147, MedGen C5193014, MONDO:0020820, OMIM 601680.
MYH3-related disorder. Also called: MYH3-Related Disorders; MYH3-related condition. Identifiers: MedGen CN239329.
Freeman-Sheldon syndrome (DA2A). Also called: CRANIOCARPOTARSAL DYSPLASIA; CRANIOCARPOTARSAL DYSTROPHY; WHISTLING FACE-WINDMILL VANE HAND SYNDROME; Arthrogryposis, distal, type 2A (Freeman-Sheldon). Identifiers: Orphanet 2053, MedGen C0265224, MONDO:0008675, OMIM 193700.

Allele frequency attached by ClinVar (database versions not stated): gnomAD exomes 0.00014 and 0.00050; ExAC 0.00064; gnomAD 0.00149 and 0.00152; ESP Exome Variant Server 0.00161; TOPMed 0.00164; 1000 Genomes Project 30x 0.00297; 1000 Genomes Project 0.00300.
gnomAD v4.1: 438 of 1,614,226 alleles (0.027%); highest among the groups gnomAD compares: African/African-American, 0.47%; 2 homozygotes.

Submissions (5):

Labcorp Genetics (formerly Invitae), Labcorp
Classification: Benign. Last evaluated: 2026-01-26. Review status: criteria provided, single submitter. Criteria: Invitae Variant Classification Sherloc (09022015). Collection method: clinical testing. Allele origin: germline.

Ambry Genetics
Classification: Uncertain significance for Inborn genetic diseases. Last evaluated: 2025-10-02. Review status: criteria provided, single submitter. Criteria: Ambry Variant Classification Scheme 2023. Collection method: clinical testing. Allele origin: germline.

Illumina Laboratory Services, Illumina
Classification: Benign for Freeman-Sheldon syndrome. Last evaluated: 2018-01-12. Review status: criteria provided, single submitter. Criteria: ICSL Variant Classification Criteria 13 December 2019. Collection method: clinical testing. Allele origin: germline.
Comment: This variant was observed in the ICSL laboratory as part of a predisposition screen in an ostensibly healthy population. It had not been previously curated by ICSL or reported in the Human Gene Mutation Database (HGMD: prior to June 1st, 2018), and was therefore a candidate for classification through an automated scoring system. Utilizing variant allele frequency, disease prevalence and penetrance estimates, and inheritance mode, an automated score was calculated to assess if this variant is too frequent to cause the disease. Based on the score and internal cut-off values, a variant classified as benign is not then subjected to further curation. The score for this variant resulted in a classification of benign for this disease.

Illumina Laboratory Services, Illumina
Classification: Likely benign for Distal arthrogryposis type 2B1. Last evaluated: 2018-01-12. Review status: criteria provided, single submitter. Criteria: ICSL Variant Classification Criteria 13 December 2019. Collection method: clinical testing. Allele origin: germline.
Comment: This variant was observed in the ICSL laboratory as part of a predisposition screen in an ostensibly healthy population. It had not been previously curated by ICSL or reported in the Human Gene Mutation Database (HGMD: prior to June 1st, 2018), and was therefore a candidate for classification through an automated scoring system. Utilizing variant allele frequency, disease prevalence and penetrance estimates, and inheritance mode, an automated score was calculated to assess if this variant is too frequent to cause the disease. Based on the score and internal cut-off values, a variant classified as likely benign is not then subjected to further curation. The score for this variant resulted in a classification of likely benign for this disease.

PreventionGenetics, part of Exact Sciences
Classification: Likely benign for MYH3-related condition. Last evaluated: 2019-03-21. Review status: no assertion criteria provided. Collection method: clinical testing. Allele origin: germline. Not counted in ClinVar's aggregate classification.
Comment: This variant is classified as likely benign based on ACMG/AMP sequence variant interpretation guidelines (Richards et al. 2015 PMID: 25741868, with internal and published modifications).